The following is an entry in ClinVar:

NM_001348323.3(TRIP12):c.1688C>T (p.Ser563Phe)

Gene: TRIP12 (thyroid hormone receptor interactor 12; minus strand). Cytogenetic location: 2q36.3.
Variant type: single nucleotide variant.
Coding change: c.1688C>T on transcript NM_001348323.3 (MANE Select); coding-DNA position 1688, C replaced by T.
Protein change: p.Ser563Phe; replaces serine 563 with phenylalanine.
Molecular consequence: missense variant.
Genome position (GRCh38, 1-based): chr2:229,815,142, G>A on the plus strand (C>T on the coding strand, the complement: TRIP12 is on the minus strand). VCF-style: chr2-229815142-G-A. GRCh37 (hg19) VCF-style: chr2-230679858-G-A.
Other names: c.1688C>T, p.Ser563Phe (NM_001284214.2, NM_001348315.2, NM_001348319.1 and 11 more transcripts); c.1562C>T, p.Ser521Phe (NM_001284215.2, NM_001348316.2, NM_001348317.1 and 2 more transcripts); c.653C>T, p.Ser218Phe (NM_001284216.2); c.1601C>T, p.Ser534Phe (NM_001348332.1); c.1544C>T, p.Ser515Phe (NM_004238.3); short protein forms S218F, S515F, S521F, S534F, S563F.
Identifiers: ClinVar variation 3370112 (VCV003370112.2).

ClinVar aggregate classification (germline): Uncertain significance (1 of 4 stars; one submission).

Submission:

GeneDx
Classification: Uncertain significance. Last evaluated: 2025-11-07. Review status: criteria provided, single submitter. Criteria: GeneDx Variant Classification Process June 2021. Collection method: clinical testing. Allele origin: germline.
Comment: Not observed at significant frequency in large population cohorts (gnomAD); In silico analysis supports that this missense variant has a deleterious effect on protein structure/function; Has not been previously published as pathogenic or benign to our knowledge